The following is an entry in ClinVar:

ClinVar aggregate classification (germline): Uncertain significance (1 of 4 stars; one submission).

Submission:

Labcorp Genetics (formerly Invitae), Labcorp
Classification: Uncertain significance. Last evaluated: 2025-08-22. Review status: criteria provided, single submitter. Criteria: Invitae Variant Classification Sherloc (09022015). Collection method: clinical testing. Allele origin: germline.
Comment: This sequence change replaces alanine, which is neutral and non-polar, with serine, which is neutral and polar, at codon 3112 of the TRRAP protein (p.Ala3112Ser). This variant is not present in population databases (gnomAD no frequency). This variant has not been reported in the literature in individuals affected with TRRAP-related conditions. Invitae Evidence Modeling of protein sequence and biophysical properties (such as structural, functional, and spatial information, amino acid conservation, physicochemical variation, residue mobility, and thermodynamic stability) indicates that this missense variant is not expected to disrupt TRRAP protein function with a negative predictive value of 80%. In summary, the available evidence is currently insufficient to determine the role of this variant in disease. Therefore, it has been classified as a Variant of Uncertain Significance.

NM_001375524.1(TRRAP):c.9409G>T (p.Ala3137Ser)

Gene: TRRAP (transformation/transcription domain associated protein; plus strand). Cytogenetic location: 7q22.1.
Variant type: single nucleotide variant.
Coding change: c.9409G>T on transcript NM_001375524.1 (MANE Select); coding-DNA position 9409, G replaced by T.
Protein change: p.Ala3137Ser; replaces alanine 3137 with serine.
Molecular consequence: missense variant.
Genome position (GRCh38, 1-based): chr7:98,988,784, G>T. VCF-style: chr7-98988784-G-T. GRCh37 (hg19) VCF-style: chr7-98586407-G-T.
Other names: c.9421G>T, p.Ala3141Ser (NM_001244580.2); c.9334G>T, p.Ala3112Ser (NM_003496.4); short protein forms A3137S, A3112S, A3141S.
Identifiers: ClinVar variation 4740395 (VCV004740395.1).